The following is an entry in ClinVar:

Conditions:
Breast-ovarian cancer, familial, susceptibility to, 1 (BROVCA1). Also called: BRCA1 Hereditary Breast and Ovarian Cancer; OVARIAN CANCER, SUSCEPTIBILITY TO. Identifiers: Orphanet 145, MedGen C2676676, MONDO:0011450, OMIM 604370. Disease mechanism: loss of function.

Allele frequency attached by ClinVar (database versions not stated): gnomAD exomes below 0.00001.
gnomAD v4.1: 1 of 1,614,158 alleles (0.000062%); highest among the groups gnomAD compares: Non-Finnish European, 0.000085%; no homozygotes.

Submission:

Brotman Baty Institute, University of Washington
No classification provided (evidence only). Condition: Breast-ovarian cancer, familial 1. Review status: no classification provided. Collection method: in vitro. Allele origin: not applicable. Functional consequence: function_uncertain_variant.
ClinVar note: "not provided" was previously submitted as the classification for the variant. However, the classification appeared to be based only on an observation of functional data so it was converted to no classification on 2025-07-30.

NM_007294.4(BRCA1):c.5467+4A>T

Gene: BRCA1 (BRCA1 DNA repair associated; minus strand). Cytogenetic location: 17q21.31.
Variant type: single nucleotide variant.
Coding change: c.5467+4A>T on transcript NM_007294.4 (MANE Select); 4 bases into the intron after coding-DNA position 5467, A replaced by T.
Molecular consequence: intron variant.
Genome position (GRCh38, 1-based): chr17:43,047,639, T>A on the plus strand (A>T on the coding strand, the complement: BRCA1 is on the minus strand). VCF-style: chr17-43047639-T-A. GRCh37 (hg19) VCF-style: chr17-41199656-T-A.
Other names: c.5410+4A>T (NM_001407648.1); c.2041+4A>T (NM_001408419.1, NM_001408418.1, NM_001408420.1); c.2152+4A>T (NM_001408403.1, NM_001408398.1, NM_001408400.1 and 7 more transcripts); c.2155+4A>T (NM_001407983.1, NM_001407992.1, NM_001407981.1 and 10 more transcripts); c.2158+4A>T (NM_001407975.1, NM_001407978.1, NM_001407977.1 and 3 more transcripts); c.2224+4A>T (NM_001407971.1, NM_001407970.1); c.2149+4A>T (NM_001408406.1, NM_001408408.1, NM_001408407.1); c.5461+4A>T (NM_001407641.1, NM_001407629.1, NM_001407636.1 and 13 more transcripts); and 83 more.
Identifiers: ClinVar variation 864881 (VCV000864881.3), dbSNP rs1555574692, ClinGen allele CA916080769.